The following is an entry in ClinVar:

NM_001042492.3(NF1):c.7010T>C (p.Leu2337Pro)

Gene: NF1 (neurofibromin 1; plus strand). Cytogenetic location: 17q11.2.
Variant type: single nucleotide variant.
Coding change: c.7010T>C on transcript NM_001042492.3 (MANE Select); coding-DNA position 7010, T replaced by C.
Protein change: p.Leu2337Pro; replaces leucine 2337 with proline.
Molecular consequence: missense variant.
Genome position (GRCh38, 1-based): chr17:31,340,593, T>C. VCF-style: chr17-31340593-T-C. GRCh37 (hg19) VCF-style: chr17-29667611-T-C.
Other names: c.6947T>C, p.Leu2316Pro (NM_000267.4); short protein forms L2337P, L2316P.
Identifiers: ClinVar variation 2736576 (VCV002736576.3), dbSNP rs1555535179, ClinGen allele CA399015025.

ClinVar aggregate classification (germline): Pathogenic (1 of 4 stars; one submission).

Conditions:
Neurofibromatosis, type 1 (NF1). Also called: Neurofibromatosis, type I; Peripheral type neurofibromatosis; VON RECKLINGHAUSEN DISEASE; NEUROFIBROMATOSIS, TYPE I, SOMATIC. Identifiers: Orphanet 636, MedGen C0027831, MONDO:0018975, OMIM 162200. Disease mechanism: loss of function.

Submission:

Labcorp Genetics (formerly Invitae), Labcorp
Classification: Pathogenic for Neurofibromatosis, type 1. Last evaluated: 2023-05-14. Review status: criteria provided, single submitter. Criteria: Invitae Variant Classification Sherloc (09022015). Collection method: clinical testing. Allele origin: germline.
Comment: For these reasons, this variant has been classified as Pathogenic. This variant disrupts the p.Leu231 amino acid residue in NF1. Other variant(s) that disrupt this residue have been determined to be pathogenic (PMID: 31730495). This suggests that this residue is clinically significant, and that variants that disrupt this residue are likely to be disease-causing. Advanced modeling of protein sequence and biophysical properties (such as structural, functional, and spatial information, amino acid conservation, physicochemical variation, residue mobility, and thermodynamic stability) performed at Invitae indicates that this missense variant is expected to disrupt NF1 protein function. This missense change has been observed in individual(s) with neurofibromatosis type 1 (PMID: 27322474). In at least one individual the variant was observed to be de novo. This variant is not present in population databases (gnomAD no frequency). This sequence change replaces leucine, which is neutral and non-polar, with proline, which is neutral and non-polar, at codon 2316 of the NF1 protein (p.Leu2316Pro).

Literature cited by the submitters: PubMed 31730495; PubMed 27322474.